The following is an entry in ClinVar:

NM_012144.4(DNAI1):c.1291C>G (p.His431Asp)

Gene: DNAI1 (dynein axonemal intermediate chain 1; plus strand). Cytogenetic location: 9p13.3.
Variant type: single nucleotide variant.
Coding change: c.1291C>G on transcript NM_012144.4 (MANE Select); coding-DNA position 1291, C replaced by G.
Protein change: p.His431Asp; replaces histidine 431 with aspartic acid.
Molecular consequence: missense variant.
Genome position (GRCh38, 1-based): chr9:34,506,854, C>G. VCF-style: chr9-34506854-C-G. GRCh37 (hg19) VCF-style: chr9-34506852-C-G.
Other names: c.1303C>G, p.His435Asp (NM_001281428.2); short protein forms H431D, H435D.
Identifiers: ClinVar variation 366691 (VCV000366691.10), dbSNP rs756877115, ClinGen allele CA5034339.

ClinVar aggregate classification (germline): Uncertain significance. Review status: criteria provided, multiple submitters, no conflicts (2 of 4 stars). 4 submissions from 4 submitters: Uncertain significance (2). 2 of the submissions do not count toward it. Last evaluated 2022-06-04.

Conditions:
Primary ciliary dyskinesia. Also called: Ciliary dyskinesia. Identifiers: Orphanet 244, MedGen C0008780, MONDO:0016575, HP:0012265.
Kartagener syndrome (CILD1). Also called: CILIARY DYSKINESIA, PRIMARY, 1, WITH OR WITHOUT SITUS INVERSUS; IMMOTILE CILIA SYNDROME; SIEWERT SYNDROME; POLYNESIAN BRONCHIECTASIS; CILIARY DYSKINESIA, PRIMARY, 1; Dextrocardia bronchiectasis and sinusitis. Identifiers: Orphanet 244, MedGen C4551906, MONDO:0009484, OMIM 244400.

Allele frequency attached by ClinVar (database versions not stated): TOPMed 0.00006; gnomAD 0.00007.
gnomAD v4.1: 69 of 1,613,966 alleles (0.0043%); highest among the groups gnomAD compares: Admixed American, 0.0033%; no homozygotes.

Submissions (4):

Labcorp Genetics (formerly Invitae), Labcorp
Classification: Uncertain significance for Primary ciliary dyskinesia. Last evaluated: 2022-06-04. Review status: criteria provided, single submitter. Criteria: Invitae Variant Classification Sherloc (09022015). Collection method: clinical testing. Allele origin: germline.
Comment: This sequence change replaces histidine, which is basic and polar, with aspartic acid, which is acidic and polar, at codon 431 of the DNAI1 protein (p.His431Asp). This variant is present in population databases (rs756877115, gnomAD 0.2%). This variant has not been reported in the literature in individuals affected with DNAI1-related conditions. ClinVar contains an entry for this variant (Variation ID: 366691). Algorithms developed to predict the effect of missense changes on protein structure and function are either unavailable or do not agree on the potential impact of this missense change (SIFT: "Tolerated"; PolyPhen-2: "Probably Damaging"; Align-GVGD: "Class C0"). In summary, the available evidence is currently insufficient to determine the role of this variant in disease. Therefore, it has been classified as a Variant of Uncertain Significance.

Illumina Laboratory Services, Illumina
Classification: Uncertain significance for Kartagener syndrome. Last evaluated: 2018-01-13. Review status: criteria provided, single submitter. Criteria: ICSL Variant Classification Criteria 13 December 2019. Collection method: clinical testing. Allele origin: germline.

Natera, Inc.
Classification: Uncertain significance for Primary ciliary dyskinesia. Last evaluated: 2020-03-26. Review status: no assertion criteria provided. Collection method: clinical testing. Allele origin: germline. Not counted in ClinVar's aggregate classification.

Counsyl
Classification: Uncertain significance for Kartagener syndrome. Last evaluated: 2017-09-29. Review status: no assertion criteria provided. Collection method: clinical testing. Allele origin: unknown. Not counted in ClinVar's aggregate classification.